The following is an entry in ClinVar:

Conditions:
Breast-ovarian cancer, familial, susceptibility to, 1 (BROVCA1). Also called: BRCA1 Hereditary Breast and Ovarian Cancer; OVARIAN CANCER, SUSCEPTIBILITY TO. Identifiers: Orphanet 145, MedGen C2676676, MONDO:0011450, OMIM 604370. Disease mechanism: loss of function.

Submission:

Brotman Baty Institute, University of Washington
No classification provided (evidence only). Condition: Breast-ovarian cancer, familial 1. Review status: no classification provided. Collection method: in vitro. Allele origin: not applicable. Functional consequence: functionally_normal.
ClinVar note: "not provided" was previously submitted as the classification for the variant. However, the classification appeared to be based only on an observation of functional data so it was converted to no classification on 2025-07-30.

NM_007294.4(BRCA1):c.227G>A (p.Ser76Asn)

Gene: BRCA1 (BRCA1 DNA repair associated; minus strand). Cytogenetic location: 17q21.31.
Variant type: single nucleotide variant.
Coding change: c.227G>A on transcript NM_007294.4 (MANE Select); coding-DNA position 227, G replaced by A.
Protein change: p.Ser76Asn; replaces serine 76 with asparagine.
Molecular consequence: missense variant. On other transcripts: non-coding transcript variant (1).
Genome position (GRCh38, 1-based): chr17:43,104,942, C>T on the plus strand (G>A on the coding strand, the complement: BRCA1 is on the minus strand). VCF-style: chr17-43104942-C-T. GRCh37 (hg19) VCF-style: chr17-41256959-C-T.
Other names: c.227G>A, p.Ser76Asn (NM_001407640.1, NM_001407641.1, NM_001407642.1 and 168 more transcripts); c.149G>A, p.Ser50Asn (NM_001407653.1, NM_001407654.1, NM_001407655.1 and 21 more transcripts); c.86G>A, p.Ser29Asn (NM_001407692.1, NM_001407694.1, NM_001407695.1 and 99 more transcripts); c.17G>A, p.Ser6Asn (NM_001407853.1, NM_001407879.1, NM_001407881.1 and 58 more transcripts); c.-155G>A (NM_001407959.1, NM_001407960.1, NM_001407962.1 and 4 more transcripts); c.95G>A, p.Ser32Asn (NM_001408451.1); short protein forms S29N, S76N, S50N, S32N, S6N.
Identifiers: ClinVar variation 867987 (VCV000867987.3), dbSNP rs2054694832, ClinGen allele CA10601707.